The following is an entry in ClinVar:

NM_007294.4(BRCA1):c.134+7T>G

Gene: BRCA1 (BRCA1 DNA repair associated; minus strand). Cytogenetic location: 17q21.31.
Variant type: single nucleotide variant.
Coding change: c.134+7T>G on transcript NM_007294.4 (MANE Select); 7 bases into the intron after coding-DNA position 134, T replaced by G.
Molecular consequence: intron variant.
Genome position (GRCh38, 1-based): chr17:43,115,719, A>C on the plus strand (T>G on the coding strand, the complement: BRCA1 is on the minus strand). VCF-style: chr17-43115719-A-C. GRCh37 (hg19) VCF-style: chr17-41267736-A-C.
Other names: c.-8+7T>G (NM_001408458.1, NM_001408470.1, NM_001407848.1 and 47 more transcripts); c.-219+9558T>G (NM_001407967.1); c.-170+9558T>G (NM_001407959.1); c.-7-9186T>G (NM_001407931.1, NM_001407747.1, NM_001408511.1 and 2 more transcripts); c.-170+7T>G (NM_001407962.1, NM_001408512.1, NM_001408510.1 and 1 more transcripts); c.-55+7T>G (NM_001407885.1, NM_001407886.1, NM_001408509.1 and 52 more transcripts); c.-124+7T>G (NM_001407746.1, NM_001408468.1, NM_001407842.1 and 13 more transcripts); c.-8+8298T>G (NM_001408461.1, NM_001407738.1, NM_001407932.1 and 23 more transcripts); and 10 more.
Identifiers: ClinVar variation 868179 (VCV000868179.3), dbSNP rs2055241241, ClinGen allele CA916080993.
Genomic context (GRCh38, chr17:43,115,719, plus strand): 5'-GTTTCCTGGGTTATGAAGGACAAAAACAAAAGCTAATAATGGAGCCACATAACACATTCA[A>C]ACTTACTTGCAAAATATGTGGTCACACTTTGTGGAGACAGGTTCCTTGATCAACTCCAGA-3'

Conditions:
Breast-ovarian cancer, familial, susceptibility to, 1 (BROVCA1). Also called: BRCA1 Hereditary Breast and Ovarian Cancer; OVARIAN CANCER, SUSCEPTIBILITY TO. Identifiers: Orphanet 145, MedGen C2676676, MONDO:0011450, OMIM 604370. Disease mechanism: loss of function.

Submission:

Brotman Baty Institute, University of Washington
No classification provided (evidence only). Condition: Breast-ovarian cancer, familial 1. Review status: no classification provided. Collection method: in vitro. Allele origin: not applicable. Functional consequence: functionally_normal.
ClinVar note: "not provided" was previously submitted as the classification for the variant. However, the classification appeared to be based only on an observation of functional data so it was converted to no classification on 2025-07-30.